The following is an entry in ClinVar:

NM_080680.3(COL11A2):c.4978C>T (p.Arg1660Cys)

Gene: COL11A2 (collagen type XI alpha 2 chain; minus strand). Cytogenetic location: 6p21.32.
Variant type: single nucleotide variant.
Coding change: c.4978C>T on transcript NM_080680.3 (MANE Select); coding-DNA position 4978, C replaced by T.
Protein change: p.Arg1660Cys; replaces arginine 1660 with cysteine.
Molecular consequence: missense variant.
Genome position (GRCh38, 1-based): chr6:33,164,359, G>A on the plus strand (C>T on the coding strand, the complement: COL11A2 is on the minus strand). VCF-style: chr6-33164359-G-A. GRCh37 (hg19) VCF-style: chr6-33132136-G-A.
Other names: c.4720C>T, p.Arg1574Cys (NM_080681.3); c.4978C>T (NM_080680.2); c.4798C>T, p.Arg1600Cys (NM_001424108.1); c.4132C>T, p.Arg1378Cys (NM_001424109.1); c.3952C>T, p.Arg1318Cys (NM_001424110.1, NM_001424111.1); c.2932C>T, p.Arg978Cys (NM_001424112.1); c.4657C>T, p.Arg1553Cys (NM_080679.3); short protein forms R1318C, R978C, R1660C, R1553C, R1600C, R1378C, R1574C.
Identifiers: ClinVar variation 2885354 (VCV002885354.5), dbSNP rs546841812, ClinGen allele CA3749942.

ClinVar aggregate classification (germline): Conflicting classifications of pathogenicity. Review status: criteria provided, conflicting classifications (1 of 4 stars). 3 submissions from 3 submitters: Uncertain significance (2); Likely benign (1). Last evaluated 2025-08-04.

Conditions:
COL11A2-related disorder. Also called: COL11A2-related disorders; COL11A2-related condition.

Allele frequency attached by ClinVar (database versions not stated): ExAC 0.00001; TOPMed 0.00001; gnomAD 0.00002; 1000 Genomes Project 30x 0.00016; 1000 Genomes Project 0.00020.
gnomAD v4.1: 21 of 1,612,648 alleles (0.0013%); highest among the groups gnomAD compares: East Asian, 0.0022%; no homozygotes.

Submissions (3):

PreventionGenetics, part of Exact Sciences
Classification: Uncertain significance for COL11A2-related condition. Last evaluated: 2025-08-04. Review status: criteria provided, single submitter. Criteria: ACMG Guidelines, 2015. Collection method: clinical testing. Allele origin: germline.
Comment: The COL11A2 c.4978C>T variant is predicted to result in the amino acid substitution p.Arg1660Cys. To our knowledge, this variant has not been reported in the literature. This variant is reported in 0.0050% of alleles in individuals of East Asian descent in gnomAD. At this time, the clinical significance of this variant is uncertain due to the absence of conclusive functional and genetic evidence.

Labcorp Genetics (formerly Invitae), Labcorp
Classification: Likely benign. Last evaluated: 2025-06-01. Review status: criteria provided, single submitter. Criteria: Invitae Variant Classification Sherloc (09022015). Collection method: clinical testing. Allele origin: germline.

GeneDx
Classification: Uncertain significance. Last evaluated: 2024-02-27. Review status: criteria provided, single submitter. Criteria: GeneDx Variant Classification Process June 2021. Collection method: clinical testing. Allele origin: germline. Affected: yes.
Comment: Has not been previously published as pathogenic or benign to our knowledge; Not observed at significant frequency in large population cohorts (gnomAD); In silico analysis supports that this missense variant does not alter protein structure/function